The following is an entry in ClinVar:

NM_001035.3(RYR2):c.12901G>A (p.Val4301Ile)

Genes: RYR2 (ryanodine receptor 2; plus strand), LOC126806068 (BRD4-independent group 4 enhancer GRCh37_chr1:237947411-237948610; plus strand). Cytogenetic location: 1q43.
Variant type: single nucleotide variant.
Coding change: c.12901G>A on transcript NM_001035.3 (MANE Select); coding-DNA position 12901, G replaced by A.
Protein change: p.Val4301Ile; replaces valine 4301 with isoleucine.
Molecular consequence: missense variant.
Genome position (GRCh38, 1-based): chr1:237,784,613, G>A. VCF-style: chr1-237784613-G-A. GRCh37 (hg19) VCF-style: chr1-237947913-G-A.
Other names: short protein forms V4301I.
Identifiers: ClinVar variation 836373 (VCV000836373.13), dbSNP rs772007722, ClinGen allele CA345414636.
Genomic context (GRCh38, chr1:237,784,613, plus strand): 5'-ACGGCCTTCTTTTCATCCTACTGGAGTATTTTCATGACCCTCTTGCACTTCGTGGCCAGC[G>A]TTTTCAGAGGCTTTTTCCGCATCATTTGCAGCCTGCTGCTTGGGGGAAGCCTCGTCGAAG-3'
Protein context (NP_001026.2, residues 4291-4311): FMTLLHFVAS[Val4301Ile]FRGFFRIICS

ClinVar aggregate classification (germline): Uncertain significance. Review status: criteria provided, multiple submitters, no conflicts (2 of 4 stars). 2 submissions from 2 submitters: Uncertain significance (2). Last evaluated 2024-03-06.

Conditions:
Catecholaminergic polymorphic ventricular tachycardia 1. Also called: VENTRICULAR TACHYCARDIA, CATECHOLAMINERGIC POLYMORPHIC, 1, WITH OR WITHOUT ATRIAL DYSFUNCTION AND/OR DILATED CARDIOMYOPATHY; RYR2-Related Catecholaminergic Polymorphic Ventricular Tachycardia; VENTRICULAR TACHYCARDIA, STRESS-INDUCED POLYMORPHIC 1. Identifiers: Orphanet 3286, MedGen C1631597, MONDO:0011484, OMIM 604772.
Cardiomyopathy (CMYO). Also called: Cardiomyopathies. Identifiers: Orphanet 167848, MedGen C0878544, MONDO:0004994, HP:0001638. Inheritance: Various modes of inheritance.

gnomAD v4.1: 6 of 1,613,872 alleles (0.00037%); highest among the groups gnomAD compares: South Asian, 0.0011%; no homozygotes.

Submissions (2):

Color Diagnostics, LLC DBA Color Health
Classification: Uncertain significance for Cardiomyopathy. Last evaluated: 2024-03-06. Review status: criteria provided, single submitter. Criteria: ACMG Guidelines, 2015. Collection method: clinical testing. Allele origin: germline.
Comment: This missense variant replaces valine with isoleucine at codon 4301 of the RYR2 protein. Computational prediction suggests that this variant may not impact protein structure and function (internally defined REVEL score threshold <= 0.5, PMID: 27666373). To our knowledge, functional studies have not been reported for this variant. This variant has not been reported in individuals affected with cardiovascular disorders in the literature. This variant has been identified in 2/248762 chromosomes in the general population by the Genome Aggregation Database (gnomAD). The available evidence is insufficient to determine the role of this variant in disease conclusively. Therefore, this variant is classified as a Variant of Uncertain Significance.

Labcorp Genetics (formerly Invitae), Labcorp
Classification: Uncertain significance for Catecholaminergic polymorphic ventricular tachycardia 1. Last evaluated: 2023-11-08. Review status: criteria provided, single submitter. Criteria: Invitae Variant Classification Sherloc (09022015). Collection method: clinical testing. Allele origin: germline.
Comment: This sequence change replaces valine, which is neutral and non-polar, with isoleucine, which is neutral and non-polar, at codon 4301 of the RYR2 protein (p.Val4301Ile). This variant is present in population databases (no rsID available, gnomAD 0.002%). This variant has not been reported in the literature in individuals affected with RYR2-related conditions. ClinVar contains an entry for this variant (Variation ID: 836373). Advanced modeling of protein sequence and biophysical properties (such as structural, functional, and spatial information, amino acid conservation, physicochemical variation, residue mobility, and thermodynamic stability) performed at Invitae indicates that this missense variant is not expected to disrupt RYR2 protein function with a negative predictive value of 95%. In summary, the available evidence is currently insufficient to determine the role of this variant in disease. Therefore, it has been classified as a Variant of Uncertain Significance.